The following is an entry in ClinVar:

ClinVar aggregate classification (germline): Conflicting classifications of pathogenicity. Review status: criteria provided, conflicting classifications (1 of 4 stars). 17 submissions from 17 submitters: Uncertain significance (4); Likely benign (11). 2 of the submissions do not count toward it. Last evaluated 2026-04-01.

Conditions:
Hereditary cancer. Identifiers: MedGen C1333600.
Breast and/or ovarian cancer. Identifiers: MedGen CN221562.
Hereditary cancer-predisposing syndrome. Also called: Tumor predisposition; Hereditary neoplastic syndrome; Hereditary Cancer Syndrome; Neoplastic Syndromes, Hereditary. Identifiers: Orphanet 140162, MedGen C0027672, MeSH D009386, MONDO:0015356.
Hereditary breast ovarian cancer syndrome. Also called: Hereditary breast and ovarian cancer; Hereditary breast and/or ovarian cancer syndrome; BRCA1- and BRCA2-Associated Hereditary Breast and Ovarian Cancer; Hereditary breast and ovarian cancer syndrome (HBOC); Hereditary breast and ovarian cancer syndrome; Breast and ovarian cancer. Identifiers: Orphanet 145, MedGen C0677776, MeSH D061325, MONDO:0003582. Disease mechanism: loss of function.
Familial cancer of breast. Also called: Hereditary breast cancer; hereditary breast carcinoma; BREAST CANCER, FAMILIAL. Identifiers: Orphanet 227535, MedGen C0346153, MONDO:0016419, OMIM 114480. Disease mechanism: loss of function.
Ataxia-telangiectasia syndrome (AT). Also called: ATAXIA-TELANGIECTASIA, COMPLEMENTATION GROUP A; ATAXIA-TELANGIECTASIA, FRESNO VARIANT; Ataxia-telangiectasia; Ataxia-telangiectasia, complementation group D; AT, COMPLEMENTATION GROUP C; Ataxia-telangiectasia, complementation group E. Identifiers: Orphanet 100, MedGen C0004135, MONDO:0008840, OMIM 208900.

Allele frequency attached by ClinVar (database versions not stated): ExAC 0.00005; gnomAD exomes 0.00005; gnomAD 0.00006 and 0.00007; TOPMed 0.00008; ESP Exome Variant Server 0.00015.
gnomAD v4.1: 93 of 1,613,626 alleles (0.0058%); highest among the groups gnomAD compares: Non-Finnish European, 0.007%; 1 homozygote.

Submissions (17):

CeGaT Center for Human Genetics Tuebingen
Classification: Likely benign. Last evaluated: 2026-04-01. Review status: criteria provided, single submitter. Criteria: CeGaT Center For Human Genetics Tuebingen Variant Classification Criteria Version 2. Collection method: clinical testing. Allele origin: germline. Affected: yes. Observed: 2 variant alleles.
Comment: ATM: BP4, BS2

German Consortium for Hereditary Breast and Ovarian Cancer, University Hospital Cologne
Classification: Likely benign for Hereditary breast ovarian cancer syndrome. Last evaluated: 2026-02-10. Review status: criteria provided, single submitter. Criteria: ClinGen ATM V1.4.0. Collection method: curation. Allele origin: germline.
Comment: BP2 homozygous in gnomAD V2.1.1 non-neuro subset; This classification follows the ClinGen ACMG ATM v1.4.0 classification scheme; We chose this criterion: BP4 (supporting benign): Missense: REVEL score ≤.249

Labcorp Genetics (formerly Invitae), Labcorp
Classification: Likely benign for Ataxia-telangiectasia syndrome. Last evaluated: 2026-01-26. Review status: criteria provided, single submitter. Criteria: Invitae Variant Classification Sherloc (09022015). Collection method: clinical testing. Allele origin: germline.

Quest Diagnostics Nichols Institute San Juan Capistrano
Classification: Uncertain significance. Last evaluated: 2025-09-12. Review status: criteria provided, single submitter. Criteria: Quest Diagnostics criteria. Collection method: clinical testing. Allele origin: unknown.

Women's Health and Genetics/Laboratory Corporation of America, LabCorp
Classification: Likely benign. Last evaluated: 2025-08-14. Review status: criteria provided, single submitter. Criteria: LabCorp Variant Classification Summary - May 2015. Collection method: clinical testing. Allele origin: germline.
Comment: Variant summary: ATM c.749G>A (p.Arg250Gln) results in a conservative amino acid change in the encoded protein sequence. Algorithms developed to predict the effect of missense changes on protein structure and function all suggest that this variant is likely to be tolerated. The variant allele was found at a frequency of 4.8e-05 in 250992 control chromosomes in the gnomAD database, including 1 homozygotes. This frequency is not significantly higher than estimated for a pathogenic variant in ATM causing Ataxia-telangiectasia syndrome (4.8e-05 vs 0.0035), allowing no conclusion about variant significance. c.749G>A has been reported in the literature in settings of multigene panel testing in individuals affected with various cancer phenotypes without strong evidence for causality (examples-Grennman_2007, LaPaglia_2009, Haiman_2013, Tung_2015, Muller_2015, Tiao_2017, Martin-Moales_2018, Tsaousis_2019, Weitzel_2019, Sandoval_2021, Lima_2023). These report(s) do not provide unequivocal conclusions about association of the variant with Ataxia-telangiectasia syndrome. To our knowledge, no experimental evidence demonstrating an impact on protein function has been reported. The following publications have been ascertained in the context of this evaluation (PMID: 17344846, 23555315, 19404735, 25186627, 26155992, 28652578, 30256826, 31206626, 31159747, 33606809, 37529773). ClinVar contains an entry for this variant (Variation ID: 140915). Based on the evidence outlined above, the variant was classified as likely benign.

Color Diagnostics, LLC DBA Color Health
Classification: Likely benign for Hereditary cancer-predisposing syndrome. Last evaluated: 2024-09-19. Review status: criteria provided, single submitter. Criteria: ACMG Guidelines, 2015. Collection method: clinical testing. Allele origin: germline.

Myriad Genetics, Inc.
Classification: Likely benign for Familial cancer of breast. Last evaluated: 2024-04-23. Review status: criteria provided, single submitter. Criteria: Myriad Autosomal Dominant, Autosomal Recessive and X-Linked Classification Criteria (2023). Collection method: clinical testing. Allele origin: unknown.
Comment: This variant is considered likely benign. This variant is strongly associated with less severe personal and family histories of cancer, typical for individuals without pathogenic variants in this gene [PMID: 25085752].

Mendelics
Classification: Likely benign for Hereditary cancer. Last evaluated: 2024-01-23. Review status: criteria provided, single submitter. Criteria: ACMG Guidelines, 2015. Collection method: clinical testing. Allele origin: unknown.

National Health Laboratory Service, Universitas Academic Hospital and University of the Free State
Classification: Likely benign for Hereditary breast ovarian cancer syndrome. Last evaluated: 2022-04-19. Review status: criteria provided, single submitter. Criteria: ACMG Guidelines, 2015. Collection method: clinical testing. Allele origin: germline. Affected: yes. Observed: 1 variant allele.

Sema4
Classification: Likely benign for Hereditary cancer-predisposing syndrome. Last evaluated: 2020-12-09. Review status: criteria provided, single submitter. Criteria: Sema4 Curation Guidelines. Collection method: curation. Allele origin: germline.

GeneDx
Classification: Likely benign. Last evaluated: 2020-10-28. Review status: criteria provided, single submitter. Criteria: GeneDx Variant Classification Process June 2021. Collection method: clinical testing. Allele origin: germline. Affected: yes.
Comment: This variant is associated with the following publications: (PMID: 19404735, 17344846, 22529920, 28779002, 31159747)

Division of Medical Genetics, University of Washington
Classification: Uncertain significance for Familial cancer of breast. Last evaluated: 2019-10-04. Review status: criteria provided, single submitter. Criteria: ACMG Guidelines, 2015. Collection method: clinical testing. Allele origin: germline. Affected: no. Study: CSER_CHARM.
Comment: This variant has been reported in the literature in an individual with breast cancer (Paglia 2010). This variant has an overall allele frequency of 0.00005 in the Broad Institute gnomAD Browser. In silico analyses indicate that this variant does not alter protein structure/function. Thus, it is unknown at this time whether this variant increases cancer risk. BP4

CHEO Genetics Diagnostic Laboratory, Children's Hospital of Eastern Ontario
Classification: Uncertain significance for Breast and/or ovarian cancer. Last evaluated: 2019-05-24. Review status: criteria provided, single submitter. Criteria: ACMG Guidelines, 2015. Collection method: clinical testing. Allele origin: germline.

Ambry Genetics
Classification: Likely benign for Hereditary cancer-predisposing syndrome. Last evaluated: 2018-09-29. Review status: criteria provided, single submitter. Criteria: Ambry Variant Classification Scheme 2023. Collection method: clinical testing. Allele origin: germline.

GeneKor MSA
Classification: Uncertain significance for Hereditary cancer-predisposing syndrome. Last evaluated: 2018-08-01. Review status: criteria provided, single submitter. Criteria: ACMG Guidelines, 2015. Collection method: clinical testing. Allele origin: germline.

Natera, Inc.
Classification: Likely benign for Ataxia-telangiectasia. Last evaluated: 2020-09-16. Review status: no assertion criteria provided. Collection method: clinical testing. Allele origin: germline. Not counted in ClinVar's aggregate classification.

Counsyl
Classification: Uncertain significance for Ataxia-telangiectasia syndrome. Last evaluated: 2018-05-15. Review status: no assertion criteria provided. Collection method: clinical testing. Allele origin: unknown. Not counted in ClinVar's aggregate classification.

Literature cited by the submitters: PubMed 17344846 (cited by Women's Health and Genetics/Laboratory Corporation of America, LabCorp); PubMed 23555315 (cited by Women's Health and Genetics/Laboratory Corporation of America, LabCorp); PubMed 19404735 (cited by Women's Health and Genetics/Laboratory Corporation of America, LabCorp); PubMed 25186627 (cited by Women's Health and Genetics/Laboratory Corporation of America, LabCorp); PubMed 26155992 (cited by Women's Health and Genetics/Laboratory Corporation of America, LabCorp); PubMed 28652578 (cited by Women's Health and Genetics/Laboratory Corporation of America, LabCorp); PubMed 30256826 (cited by Women's Health and Genetics/Laboratory Corporation of America, LabCorp); PubMed 31206626 (cited by Women's Health and Genetics/Laboratory Corporation of America, LabCorp); PubMed 31159747 (cited by Women's Health and Genetics/Laboratory Corporation of America, LabCorp); PubMed 33606809 (cited by Women's Health and Genetics/Laboratory Corporation of America, LabCorp); PubMed 37529773 (cited by Women's Health and Genetics/Laboratory Corporation of America, LabCorp); PubMed 25085752 (cited by Myriad Genetics, Inc.).

NM_000051.4(ATM):c.749G>A (p.Arg250Gln)

Gene: ATM (ATM serine/threonine kinase; plus strand). Cytogenetic location: 11q22.3.
Variant type: single nucleotide variant.
Coding change: c.749G>A on transcript NM_000051.4 (MANE Select); coding-DNA position 749, G replaced by A.
Protein change: p.Arg250Gln; replaces arginine 250 with glutamine.
Molecular consequence: missense variant.
Genome position (GRCh38, 1-based): chr11:108,244,874, G>A. VCF-style: chr11-108244874-G-A. GRCh37 (hg19) VCF-style: chr11-108115601-G-A.
Other names: p.R250Q:CGA>CAA; NP_000042.3:p.Arg250Gln; c.749G>A, p.Arg250Gln (NM_001351834.2); short protein forms R250Q.
Identifiers: ClinVar variation 140915 (VCV000140915.67), dbSNP rs56123940, ClinGen allele CA293997.